The following is an entry in ClinVar:

NM_024757.5(EHMT1):c.129A>G (p.Ala43=)

Gene: EHMT1 (euchromatic histone lysine methyltransferase 1; plus strand). Cytogenetic location: 9q34.3.
Variant type: single nucleotide variant.
Coding change: c.129A>G on transcript NM_024757.5 (MANE Select); coding-DNA position 129, A replaced by G.
Protein change: p.Ala43=; no amino-acid change (alanine 43 retained).
Molecular consequence: synonymous variant.
Genome position (GRCh38, 1-based): chr9:137,716,669, A>G. VCF-style: chr9-137716669-A-G. GRCh37 (hg19) VCF-style: chr9-140611121-A-G.
Other names: c.129A>G, p.Ala43= (NM_001145527.2, NM_001354263.2, NM_001354611.2); c.36A>G, p.Ala12= (NM_001354259.2, NM_001354612.2).
Identifiers: ClinVar variation 1112068 (VCV001112068.11), dbSNP rs76684726, ClinGen allele CA201801426.
Genomic context (GRCh38, chr9:137,716,669, plus strand): 5'-CGTTTCTTTGTTGGCAGAGACACCTATGGCTGCCGATGAAGGCTCAGCAGAGAAACAGGC[A>G]GGAGAGGCCCACATGGCTGCGGACGGTGAGACCAATGGGTCTTGTGAAAACAGCGATGCC-3'
Protein context (NP_079033.4, residues 33-53): AADEGSAEKQ[Ala43=]GEAHMAADGE

ClinVar aggregate classification (germline): Likely benign. Review status: criteria provided, multiple submitters, no conflicts (2 of 4 stars). 2 submissions from 2 submitters: Likely benign (2). Last evaluated 2026-06-01.

Conditions:
Kleefstra syndrome 1 (KLEFS1). Identifiers: Orphanet 261494, MedGen C0795833, MONDO:0027407, OMIM 610253.

gnomAD v4.1: 1 of 1,598,222 alleles (0.000063%); highest among the groups gnomAD compares: Admixed American, 0.0017%; no homozygotes.

Submissions (2):

CeGaT Center for Human Genetics Tuebingen
Classification: Likely benign. Last evaluated: 2026-06-01. Review status: criteria provided, single submitter. Criteria: CeGaT Center For Human Genetics Tuebingen Variant Classification Criteria Version 2. Collection method: clinical testing. Allele origin: germline. Affected: yes. Observed: 1 variant allele.
Comment: EHMT1: BP4, BP7

Labcorp Genetics (formerly Invitae), Labcorp
Classification: Likely benign for Kleefstra syndrome 1. Last evaluated: 2022-10-17. Review status: criteria provided, single submitter. Criteria: Invitae Variant Classification Sherloc (09022015). Collection method: clinical testing. Allele origin: germline.